The following is an entry in ClinVar:

ClinVar aggregate classification (germline): Likely pathogenic (1 of 4 stars; one submission).

Conditions:
Intellectual disability. Also called: Intellectual developmental disorder; Intellectual functioning disability; intellectual disabilities. Identifiers: MedGen C3714756, MeSH D008607, MONDO:0001071, HP:0001249.
Seizure. Also called: Seizures. Identifiers: MedGen C0036572, HP:0001250.

Submission:

Institute of Human Genetics, University of Leipzig Medical Center
Classification: Likely pathogenic for Intellectual disability; Seizure. Last evaluated: 2022-04-22. Review status: criteria provided, single submitter. Criteria: ACMG Guidelines, 2015. Collection method: research. Allele origin: de novo. Affected: yes.
Comment: This variant was identified as de novo.

Literature cited by the submitters: DOI doi.org/10.1101/2022.04.20.22274073.

NM_004603.4(STX1A):c.554C>G (p.Ser185Cys)

Gene: STX1A (syntaxin 1A; minus strand). Cytogenetic location: 7q11.23.
Variant type: single nucleotide variant.
Coding change: c.554C>G on transcript NM_004603.4 (MANE Select); coding-DNA position 554, C replaced by G.
Protein change: p.Ser185Cys; replaces serine 185 with cysteine.
Molecular consequence: missense variant.
Genome position (GRCh38, 1-based): chr7:73,702,969, G>C on the plus strand (C>G on the coding strand, the complement: STX1A is on the minus strand). VCF-style: chr7-73702969-G-C. GRCh37 (hg19) VCF-style: chr7-73117299-G-C.
Other names: c.554C>G, p.Ser185Cys (NM_001165903.2); short protein forms S185C.
Identifiers: ClinVar variation 1679129 (VCV001679129.1), dbSNP rs2116731315, ClinGen allele CA367835455.